The following is an entry in ClinVar:

ClinVar aggregate classification (germline): Pathogenic/Likely pathogenic. Review status: criteria provided, multiple submitters, no conflicts (2 of 4 stars). 11 submissions from 10 submitters: Pathogenic (4); Likely pathogenic (5). 2 of the submissions do not count toward it. Last evaluated 2026-08-04.

Conditions:
Macular dystrophy. Identifiers: MedGen C0730292, HP:0007754.
ABCA4-related disorder. Also called: ABCA4-related disorders; ABCA4-related condition. Identifiers: MedGen CN239167.
Age related macular degeneration 2. Also called: MACULAR DEGENERATION, SENILE; MACULOPATHY, AGE-RELATED, 2; MACULOPATHY, AGE-RELATED. Identifiers: MedGen C3495438, MONDO:0007932, OMIM 153800.
Severe early-childhood-onset retinal dystrophy (STGD1). Also called: MACULAR DYSTROPHY WITH FLECKS, TYPE 1; STGD; Stargardt macular dystrophy; Juvenile onset macular degeneration; Stargardt disease 1. Identifiers: Orphanet 364055, Orphanet 827, MedGen C1855465, MeSH D000080362, MONDO:0009549, OMIM 248200.
Retinitis pigmentosa 19 (RP19). Also called: ABCA4-Related Retinitis Pigmentosa. Identifiers: Orphanet 791, MedGen C1866422, MONDO:0011137, OMIM 601718.
Cone-rod dystrophy 3 (CORD3). Identifiers: Orphanet 1872, MedGen C1858806, MONDO:0011395, OMIM 604116.
Retinal dystrophy. Also called: Inherited retinal dystrophy. Identifiers: Orphanet 71862, MedGen C0854723, MeSH D058499, MONDO:0019118, HP:0000556.

Allele frequency attached by ClinVar (database versions not stated): ExAC 0.00002; gnomAD 0.00002 and 0.00003; gnomAD exomes 0.00002; TOPMed 0.00002; ESP Exome Variant Server 0.00008.

Submissions (11):

PreventionGenetics, part of Exact Sciences
Classification: Pathogenic for ABCA4-related condition. Last evaluated: 2026-08-04. Review status: criteria provided, single submitter. Criteria: ACMG Guidelines, 2015. Collection method: clinical testing. Allele origin: germline.
Comment: The ABCA4 c.1609C>T variant is predicted to result in the amino acid substitution p.Arg537Cys. This variant has been reported in individuals with Stargardt disease or other retinal disease (see for examples: Table S2, Turro et al. 2020. PubMed ID: 32581362; Table S1, Del Pozo-Valero et al. 2020. PubMed ID: 32619608; Table S1, Karali et al. 2022. PubMed ID: 36460718; Table S1, Lin et al. 2024. PubMed ID: 38219857). This variant is present in 0.012% of alleles in individuals of African descent in gnomAD. This variant is interpreted as pathogenic.

Labcorp Genetics (formerly Invitae), Labcorp
Classification: Pathogenic. Last evaluated: 2026-01-19. Review status: criteria provided, single submitter. Criteria: Invitae Variant Classification Sherloc (09022015). Collection method: clinical testing. Allele origin: germline.
Comment: This sequence change replaces arginine, which is basic and polar, with cysteine, which is neutral and slightly polar, at codon 537 of the ABCA4 protein (p.Arg537Cys). This variant is present in population databases (rs61748556, gnomAD 0.007%). This missense change has been observed in individuals with clinical features of Stargardt disease (PMID: 11527935, 19243736, 23755871, 28947085). It has also been observed to segregate with disease in related individuals. ClinVar contains an entry for this variant (Variation ID: 99062). Invitae Evidence Modeling of protein sequence and biophysical properties (such as structural, functional, and spatial information, amino acid conservation, physicochemical variation, residue mobility, and thermodynamic stability) indicates that this missense variant is expected to disrupt ABCA4 protein function with a positive predictive value of 95%. For these reasons, this variant has been classified as Pathogenic.

Revvity Omics, Revvity
Classification: Likely pathogenic. Last evaluated: 2025-06-09. Review status: criteria provided, single submitter. Criteria: ACMG Guidelines, 2015. Collection method: clinical testing. Allele origin: germline.

Blueprint Genetics
Classification: Pathogenic for ABCA4-related disorders. Last evaluated: 2024-10-16. Review status: criteria provided, single submitter. Criteria: ACMG Guidelines, 2015. Collection method: clinical testing. Allele origin: germline. Affected: yes. Observed: 5 variant alleles.

GeneDx
Classification: Likely pathogenic. Last evaluated: 2022-11-08. Review status: criteria provided, single submitter. Criteria: GeneDx Variant Classification Process June 2021. Collection method: clinical testing. Allele origin: germline. Affected: yes.
Comment: In silico analysis supports that this missense variant has a deleterious effect on protein structure/function; This variant is associated with the following publications: (PMID: 14517951, 28947085, 28041643, 19243736, 29555028, 28118664, 23755871, 25066811, 35119454, Saleh[article]2021, 32619608, 11527935, 32581362)

Genetics and Molecular Pathology, SA Pathology
Classification: Likely pathogenic for Severe early-childhood-onset retinal dystrophy. Last evaluated: 2021-09-17. Review status: criteria provided, single submitter. Criteria: ACMG Guidelines, 2015. Collection method: clinical testing. Allele origin: germline. Affected: yes.
Comment: PM2, PM3_Strong, PP3

Institute of Human Genetics, Univ. Regensburg, Univ. Regensburg
Classification: Likely pathogenic for Retinal dystrophy. Last evaluated: 2021-01-01. Review status: criteria provided, single submitter. Criteria: ACMG Guidelines, 2015. Collection method: clinical testing. Allele origin: germline. Affected: yes.

Institute of Human Genetics, Univ. Regensburg, Univ. Regensburg
Classification: Likely pathogenic for Severe early-childhood-onset retinal dystrophy. Last evaluated: 2016-01-01. Review status: criteria provided, single submitter. Criteria: Schulz et al. (Invest Ophthalmol Vis Sci. 2017). Collection method: clinical testing. Allele origin: germline. Affected: yes. Observed: 1 homozygote.

Juno Genomics, Hangzhou Juno Genomics, Inc
Classification: Pathogenic for Age related macular degeneration 2; Cone-rod dystrophy 3; Severe early-childhood-onset retinal dystrophy; Retinitis pigmentosa 19. Review status: criteria provided, single submitter. Criteria: ACMG Guidelines, 2015. Collection method: clinical testing. Allele origin: germline.
Comment: Absent from controls (or at extremely low frequency if recessive) in Genome Aggregation Database.;Multiple lines of computational evidence support a deleterious effect on the gene or gene product.;For recessive disorders, detected in trans with a pathogenic variant.

NIHR Bioresource Rare Diseases, University of Cambridge
Classification: Likely pathogenic for Macular dystrophy. Last evaluated: 2015-01-01. Review status: no assertion criteria provided. Collection method: research. Allele origin: unknown. Affected: yes. Observed: 1 variant allele. Not counted in ClinVar's aggregate classification.

Retina International
No classification provided. Review status: no classification provided. Collection method: not provided. Allele origin: unknown. Not counted in ClinVar's aggregate classification.

Literature cited by the submitters: PubMed 11527935 (cited by Labcorp Genetics (formerly Invitae), Labcorp); PubMed 19243736 (cited by Labcorp Genetics (formerly Invitae), Labcorp); PubMed 23755871 (cited by Labcorp Genetics (formerly Invitae), Labcorp); PubMed 28947085 (cited by Labcorp Genetics (formerly Invitae), Labcorp and Institute of Human Genetics, Univ. Regensburg, Univ. Regensburg); PubMed 14517951 (cited by Institute of Human Genetics, Univ. Regensburg, Univ. Regensburg and NIHR Bioresource Rare Diseases, University of Cambridge); PubMed 28041643 (cited by Institute of Human Genetics, Univ. Regensburg, Univ. Regensburg and NIHR Bioresource Rare Diseases, University of Cambridge); PubMed 32619608 (cited by Institute of Human Genetics, Univ. Regensburg, Univ. Regensburg); PubMed 31964843 (cited by Institute of Human Genetics, Univ. Regensburg, Univ. Regensburg); PubMed 32581362 (cited by Institute of Human Genetics, Univ. Regensburg, Univ. Regensburg); PubMed 35119454 (cited by Institute of Human Genetics, Univ. Regensburg, Univ. Regensburg); PubMed 36460718 (cited by Institute of Human Genetics, Univ. Regensburg, Univ. Regensburg).

NM_000350.3(ABCA4):c.1609C>T (p.Arg537Cys)

Gene: ABCA4 (ATP binding cassette subfamily A member 4; minus strand). Cytogenetic location: 1p22.1.
Variant type: single nucleotide variant.
Coding change: c.1609C>T on transcript NM_000350.3 (MANE Select); coding-DNA position 1609, C replaced by T.
Protein change: p.Arg537Cys; replaces arginine 537 with cysteine.
Molecular consequence: missense variant.
Genome position (GRCh38, 1-based): chr1:94,063,263, G>A on the plus strand (C>T on the coding strand, the complement: ABCA4 is on the minus strand). VCF-style: chr1-94063263-G-A. GRCh37 (hg19) VCF-style: chr1-94528819-G-A.
Other names: c.1609C>T, p.Arg537Cys (NM_001425324.1); short protein forms R537C.
Identifiers: ClinVar variation 99062 (VCV000099062.22), dbSNP rs61748556, ClinGen allele CA226904.